The following is an entry in ClinVar:

ClinVar aggregate classification (germline): Uncertain significance (1 of 4 stars; one submission).

Conditions:
Jeune thoracic dystrophy. Also called: Jeune syndrome; Infantile thoracic dystrophy; Thoracic pelvic phalangeal dystrophy; Jeune's syndrome; Chondroectodermal dysplasia-like syndrome; Short-rib thoracic dysplasia. Identifiers: Orphanet 474, MedGen C0265275, MONDO:0018770.

Allele frequency attached by ClinVar (database versions not stated): TOPMed below 0.00001; gnomAD 0.00001; gnomAD exomes 0.00001.
gnomAD v4.1: 21 of 1,612,744 alleles (0.0013%); highest among the groups gnomAD compares: Non-Finnish European, 0.0016%; no homozygotes.

Submission:

Labcorp Genetics (formerly Invitae), Labcorp
Classification: Uncertain significance for Jeune thoracic dystrophy. Last evaluated: 2024-04-25. Review status: criteria provided, single submitter. Criteria: Invitae Variant Classification Sherloc (09022015). Collection method: clinical testing. Allele origin: germline.
Comment: This sequence change replaces asparagine, which is neutral and polar, with serine, which is neutral and polar, at codon 536 of the IFT80 protein (p.Asn536Ser). This variant is present in population databases (no rsID available, gnomAD 0.002%). This variant has not been reported in the literature in individuals affected with IFT80-related conditions. ClinVar contains an entry for this variant (Variation ID: 1060619). Advanced modeling of protein sequence and biophysical properties (such as structural, functional, and spatial information, amino acid conservation, physicochemical variation, residue mobility, and thermodynamic stability) has been performed at Invitae for this missense variant, however the output from this modeling did not meet the statistical confidence thresholds required to predict the impact of this variant on IFT80 protein function. In summary, the available evidence is currently insufficient to determine the role of this variant in disease. Therefore, it has been classified as a Variant of Uncertain Significance.

NM_020800.3(IFT80):c.1607A>G (p.Asn536Ser)

Genes: IFT80 (intraflagellar transport 80; minus strand), TRIM59-IFT80 (TRIM59-IFT80 readthrough (NMD candidate); minus strand). Cytogenetic location: 3q25.33.
Variant type: single nucleotide variant.
Coding change: c.1607A>G on transcript NM_020800.3 (MANE Select); coding-DNA position 1607, A replaced by G.
Protein change: p.Asn536Ser; replaces asparagine 536 with serine.
Molecular consequence: missense variant. On other transcripts: non-coding transcript variant (3).
Genome position (GRCh38, 1-based): chr3:160,280,724, T>C on the plus strand (A>G on the coding strand, the complement: IFT80 is on the minus strand). VCF-style: chr3-160280724-T-C. GRCh37 (hg19) VCF-style: chr3-159998512-T-C.
Other names: c.1196A>G, p.Asn399Ser (NM_001190241.2, NM_001190242.2); short protein forms N399S, N536S.
Identifiers: ClinVar variation 1060619 (VCV001060619.7), dbSNP rs1299756605, ClinGen allele CA355191242.